The following is an entry in ClinVar:

NM_000218.3(KCNQ1):c.*932A>G

Genes: KCNQ1 (potassium voltage-gated channel subfamily Q member 1; plus strand), KCNQ1-AS1 (KCNQ1 antisense RNA 1; minus strand). Cytogenetic location: 11p15.4.
Variant type: single nucleotide variant.
Coding change: c.*932A>G on transcript NM_000218.3 (MANE Select); 932 bases downstream of the stop codon, A replaced by G.
Molecular consequence: 3 prime UTR variant.
Genome position (GRCh38, 1-based): chr11:2,848,935, A>G. VCF-style: chr11-2848935-A-G. GRCh37 (hg19) VCF-style: chr11-2870165-A-G.
Other names: c.*932A>G (NM_001406836.1, NM_001406837.1, NM_001406838.1 and 2 more transcripts).
Identifiers: ClinVar variation 304268 (VCV000304268.17), dbSNP rs10798, ClinGen allele CA041731.

ClinVar aggregate classification (germline): Benign. Review status: criteria provided, multiple submitters, no conflicts (2 of 4 stars). 7 submissions from 4 submitters: Benign (7). Last evaluated 2026-01-15.

Conditions:
Long QT syndrome (LQTS). Identifiers: MedGen C0023976, MeSH D008133, MONDO:0002442. Disease mechanism: loss of function. Inheritance: Various modes of inheritance.
Jervell and Lange-Nielsen syndrome 1 (JLNS1). Also called: CARDIOAUDITORY SYNDROME OF JERVELL AND LANGE-NIELSEN; DEAFNESS, CONGENITAL, AND FUNCTIONAL HEART DISEASE; PROLONGED QT INTERVAL IN EKG AND SUDDEN DEATH; SURDO-CARDIAC SYNDROME. Identifiers: Orphanet 768, Orphanet 90647, MedGen C4551509, MONDO:0024540, OMIM 220400.
Long QT syndrome 1 (LQT1). Identifiers: Orphanet 101016, Orphanet 768, MedGen C4551647, MONDO:0100316, OMIM 192500, MONDO:0008646.
Short QT syndrome type 2. Identifiers: Orphanet 51083, MedGen C1865019, MONDO:0012313, OMIM 609621.
Atrial fibrillation, familial, 3 (ATFB3). Identifiers: MedGen C1837014, MONDO:0011857, OMIM 607554.

Allele frequency attached by ClinVar (database versions not stated): gnomAD 0.37559 and 0.38574; TOPMed 0.39615; gnomAD exomes 0.44484; ExAC 0.44745; 1000 Genomes Project 30x 0.51327; 1000 Genomes Project 0.51538.
gnomAD v4.1: 177,663 of 453,978 alleles (39%); highest among the groups gnomAD compares: East Asian, 87%; 38,200 homozygotes.

Submissions (7):

Labcorp Genetics (formerly Invitae), Labcorp
Classification: Benign for Long QT syndrome. Last evaluated: 2026-01-15. Review status: criteria provided, single submitter. Criteria: Invitae Variant Classification Sherloc (09022015). Collection method: clinical testing. Allele origin: germline.

GeneDx
Classification: Benign. Last evaluated: 2021-05-12. Review status: criteria provided, single submitter. Criteria: GeneDx Variant Classification Process June 2021. Collection method: clinical testing. Allele origin: germline. Affected: yes.
Comment: This variant is associated with the following publications: (PMID: 27531917, 22199116)

Illumina Laboratory Services, Illumina
Classification: Benign for Long QT syndrome 1. Last evaluated: 2017-04-27. Review status: criteria provided, single submitter. Criteria: ICSL Variant Classification Criteria 13 December 2019. Collection method: clinical testing. Allele origin: germline.
Comment: This variant was observed as part of a predisposition screen in an ostensibly healthy population. A literature search was performed for the gene, cDNA change, and amino acid change (where applicable). No publications were found based on this search. Allele frequency data from public databases was too high to be consistent with this variant causing disease. Therefore, this variant is classified as benign.

Illumina Laboratory Services, Illumina
Classification: Benign for Short QT syndrome type 2. Last evaluated: 2017-04-27. Review status: criteria provided, single submitter. Criteria: ICSL Variant Classification Criteria 13 December 2019. Collection method: clinical testing. Allele origin: germline.
Comment: the same text as in the submission from Illumina Laboratory Services, Illumina above.

Illumina Laboratory Services, Illumina
Classification: Benign for Atrial fibrillation, familial, 3. Last evaluated: 2017-04-27. Review status: criteria provided, single submitter. Criteria: ICSL Variant Classification Criteria 13 December 2019. Collection method: clinical testing. Allele origin: germline.
Comment: the same text as in the submission from Illumina Laboratory Services, Illumina above.

Illumina Laboratory Services, Illumina
Classification: Benign for Jervell and Lange-Nielsen syndrome 1. Last evaluated: 2017-04-27. Review status: criteria provided, single submitter. Criteria: ICSL Variant Classification Criteria 13 December 2019. Collection method: clinical testing. Allele origin: germline.
Comment: the same text as in the submission from Illumina Laboratory Services, Illumina above.

Breakthrough Genomics
Classification: Benign. Review status: criteria provided, single submitter. Criteria: ACMG Guidelines, 2015. Collection method: not provided. Allele origin: germline. Inheritance: Autosomal recessive inheritance. Affected: yes.